The following is an entry in ClinVar:

ClinVar aggregate classification (germline): Pathogenic (1 of 4 stars; one submission).

Conditions:
HYPERHOMOCYSTEINEMIA, THROMBOTIC, CBS-RELATED. Identifiers: MedGen C3150344, OMIM 236200.

Submission:

Labcorp Genetics (formerly Invitae), Labcorp
Classification: Pathogenic for HYPERHOMOCYSTEINEMIA, THROMBOTIC, CBS-RELATED. Last evaluated: 2023-04-30. Review status: criteria provided, single submitter. Criteria: Invitae Variant Classification Sherloc (09022015). Collection method: clinical testing. Allele origin: germline.
Comment: This sequence change creates a premature translational stop signal (p.Gln528*) in the CBS gene. While this is not anticipated to result in nonsense mediated decay, it is expected to disrupt the last 24 amino acid(s) of the CBS protein. This variant is not present in population databases (gnomAD no frequency). This variant has not been reported in the literature in individuals affected with CBS-related conditions. This variant disrupts a region of the CBS protein in which other variant(s) (p.Leu539Ser) have been determined to be pathogenic (PMID: 8990018, 20506325). This suggests that this is a clinically significant region of the protein, and that variants that disrupt it are likely to be disease-causing. For these reasons, this variant has been classified as Pathogenic.

Literature cited by the submitters: PubMed 8990018; PubMed 20506325.

NM_000071.3(CBS):c.1582C>T (p.Gln528Ter)

Gene: CBS (cystathionine beta-synthase; minus strand). Cytogenetic location: 21q22.3.
Variant type: single nucleotide variant.
Coding change: c.1582C>T on transcript NM_000071.3 (MANE Select); coding-DNA position 1582, C replaced by T.
Protein change: p.Gln528Ter; replaces glutamine 528 with a stop codon.
Molecular consequence: nonsense.
Genome position (GRCh38, 1-based): chr21:43,053,954, G>A on the plus strand (C>T on the coding strand, the complement: CBS is on the minus strand). VCF-style: chr21-43053954-G-A. GRCh37 (hg19) VCF-style: chr21-44474064-G-A.
Other names: c.1582C>T, p.Gln528Ter (NM_001178008.3, NM_001178009.3, NM_001320298.2); c.1267C>T, p.Gln423Ter (NM_001321072.1); short protein forms Q423*, Q528*.
Identifiers: ClinVar variation 2860801 (VCV002860801.3), dbSNP rs2517365943, ClinGen allele CA410394810.